The following is an entry in ClinVar:

NM_000726.5(CACNB4):c.*3116A>G

Gene: CACNB4 (calcium voltage-gated channel auxiliary subunit beta 4; minus strand). Cytogenetic location: 2q23.3.
Variant type: single nucleotide variant.
Coding change: c.*3116A>G on transcript NM_000726.5 (MANE Select); 3116 bases downstream of the stop codon, A replaced by G.
Molecular consequence: 3 prime UTR variant.
Genome position (GRCh38, 1-based): chr2:151,836,003, T>C on the plus strand (A>G on the coding strand, the complement: CACNB4 is on the minus strand). VCF-style: chr2-151836003-T-C. GRCh37 (hg19) VCF-style: chr2-152692517-T-C.
Other names: c.*3116A>G (NM_001320722.3, NM_001330113.2, NM_001330114.2 and 7 more transcripts).
Identifiers: ClinVar variation 892643 (VCV000892643.4), dbSNP rs138740858, ClinGen allele CA57682333.

ClinVar aggregate classification (germline): Benign (1 of 4 stars; one submission).

Conditions:
Episodic ataxia type 5. Identifiers: Orphanet 211067, MedGen C1866039, MONDO:0013464, OMIM 613855.

Allele frequency attached by ClinVar (database versions not stated): 1000 Genomes Project 0.00040; 1000 Genomes Project 30x 0.00062; gnomAD 0.00107 and 0.00116; TOPMed 0.00125.

Submission:

Illumina Laboratory Services, Illumina
Classification: Benign for Episodic ataxia type 5. Last evaluated: 2018-01-12. Review status: criteria provided, single submitter. Criteria: ICSL Variant Classification Criteria 13 December 2019. Collection method: clinical testing. Allele origin: germline.
Comment: This variant was observed in the ICSL laboratory as part of a predisposition screen in an ostensibly healthy population. It had not been previously curated by ICSL or reported in the Human Gene Mutation Database (HGMD: prior to June 1st, 2018), and was therefore a candidate for classification through an automated scoring system. Utilizing variant allele frequency, disease prevalence and penetrance estimates, and inheritance mode, an automated score was calculated to assess if this variant is too frequent to cause the disease. Based on the score and internal cut-off values, a variant classified as benign is not then subjected to further curation. The score for this variant resulted in a classification of benign for this disease.